The following is an entry in ClinVar:

NM_001199138.2(NLRC4):c.1481C>G (p.Thr494Ser)

Gene: NLRC4 (NLR family CARD domain containing 4; minus strand). Cytogenetic location: 2p22.3.
Variant type: single nucleotide variant.
Coding change: c.1481C>G on transcript NM_001199138.2 (MANE Select); coding-DNA position 1481, C replaced by G.
Protein change: p.Thr494Ser; replaces threonine 494 with serine.
Molecular consequence: missense variant. On other transcripts: intron variant (1).
Genome position (GRCh38, 1-based): chr2:32,250,383, G>C on the plus strand (C>G on the coding strand, the complement: NLRC4 is on the minus strand). VCF-style: chr2-32250383-G-C. GRCh37 (hg19) VCF-style: chr2-32475452-G-C.
Other names: c.1481C>G, p.Thr494Ser (NM_001199139.2, NM_021209.5); c.262+2036C>G (NM_001302504.1); short protein forms T494S.
Identifiers: ClinVar variation 3752240 (VCV003752240.2).
Genomic context (GRCh38, chr2:32,250,383, plus strand): 5'-TGATACACTGCTGCGAGGTGCTTCATAACAGCCCTGGTGGCTTCCACAGATGACCCACAG[G>C]TGTACCGGAGCAGGCTGCTATAAGTGGATGTAATGTCCGAAATGGAAACCATTTTCTGCA-3'
Protein context (NP_001186067.1, residues 484-504): TSTYSSLLRY[Thr494Ser]CGSSVEATRA

ClinVar aggregate classification (germline): Uncertain significance (1 of 4 stars; one submission).

Conditions:
Periodic fever-infantile enterocolitis-autoinflammatory syndrome. Also called: Autoinflammation with infantile enterocolitis. Identifiers: Orphanet 436166, MedGen C4015067, MONDO:0014472, OMIM 616050.
Familial cold autoinflammatory syndrome 4 (FCAS4). Identifiers: Orphanet 47045, Orphanet 576349, MedGen C4015276, MONDO:0014498, OMIM 616115.

gnomAD v4.1: 11 of 1,614,190 alleles (0.00068%); highest among the groups gnomAD compares: Non-Finnish European, 0.00093%; no homozygotes.

Submission:

Labcorp Genetics (formerly Invitae), Labcorp
Classification: Uncertain significance for Periodic fever-infantile enterocolitis-autoinflammatory syndrome; Familial cold autoinflammatory syndrome 4. Last evaluated: 2024-03-21. Review status: criteria provided, single submitter. Criteria: Invitae Variant Classification Sherloc (09022015). Collection method: clinical testing. Allele origin: germline.
Comment: This sequence change replaces threonine, which is neutral and polar, with serine, which is neutral and polar, at codon 494 of the NLRC4 protein (p.Thr494Ser). This variant is present in population databases (rs748922128, gnomAD 0.002%). This variant has not been reported in the literature in individuals affected with NLRC4-related conditions. Advanced modeling of protein sequence and biophysical properties (such as structural, functional, and spatial information, amino acid conservation, physicochemical variation, residue mobility, and thermodynamic stability) performed at Invitae indicates that this missense variant is expected to disrupt NLRC4 protein function with a positive predictive value of 80%. In summary, the available evidence is currently insufficient to determine the role of this variant in disease. Therefore, it has been classified as a Variant of Uncertain Significance.